The following is an entry in ClinVar:

NM_001136193.2(FASTKD2):c.1029G>A (p.Leu343=)

Gene: FASTKD2 (FAST kinase domains 2; plus strand). Cytogenetic location: 2q33.3.
Variant type: single nucleotide variant.
Coding change: c.1029G>A on transcript NM_001136193.2 (MANE Select); coding-DNA position 1029, G replaced by A.
Protein change: p.Leu343=; no amino-acid change (leucine 343 retained).
Molecular consequence: synonymous variant.
Genome position (GRCh38, 1-based): chr2:206,771,932, G>A. VCF-style: chr2-206771932-G-A. GRCh37 (hg19) VCF-style: chr2-207636656-G-A.
Other names: c.1029G>A, p.Leu343= (NM_001136194.2, NM_014929.4).
Identifiers: ClinVar variation 517999 (VCV000517999.1), dbSNP rs1553596141, ClinGen allele CA430931544.

ClinVar aggregate classification (germline): Likely benign (1 of 4 stars; one submission).

Allele frequency attached by ClinVar (database versions not stated): gnomAD exomes below 0.00001.
gnomAD v4.1: 1 of 1,610,582 alleles (0.000062%); highest among the groups gnomAD compares: Non-Finnish European, 0.000085%; no homozygotes.

Submission:

GeneDx
Classification: Likely benign. Last evaluated: 2017-06-23. Review status: criteria provided, single submitter. Criteria: GeneDx Variant Classification (06012015). Collection method: clinical testing. Allele origin: germline. Affected: yes.
Comment: This variant is considered likely benign or benign based on one or more of the following criteria: it is a conservative change, it occurs at a poorly conserved position in the protein, it is predicted to be benign by multiple in silico algorithms, and/or has population frequency not consistent with disease.